The following is an entry in ClinVar:

NM_003896.4(ST3GAL5):c.343G>A (p.Val115Ile)

Gene: ST3GAL5 (ST3 beta-galactoside alpha-2,3-sialyltransferase 5; minus strand). Cytogenetic location: 2p11.2.
Variant type: single nucleotide variant.
Coding change: c.343G>A on transcript NM_003896.4 (MANE Select); coding-DNA position 343, G replaced by A.
Protein change: p.Val115Ile; replaces valine 115 with isoleucine.
Molecular consequence: missense variant. On other transcripts: 5 prime UTR variant (7).
Genome position (GRCh38, 1-based): chr2:85,848,180, C>T on the plus strand (G>A on the coding strand, the complement: ST3GAL5 is on the minus strand). VCF-style: chr2-85848180-C-T. GRCh37 (hg19) VCF-style: chr2-86075303-C-T.
Other names: c.274G>A, p.Val92Ile (NM_001042437.2); c.-42G>A (NM_001354223.2, NM_001354224.2, NM_001354226.2 and 3 more transcripts); c.259G>A, p.Val87Ile (NM_001354227.2, NM_001354229.2, NM_001354238.1); c.-562G>A (NM_001354247.1); c.343G>A, p.Val115Ile (NM_001363847.1); short protein forms V115I, V92I, V87I.
Identifiers: ClinVar variation 374726 (VCV000374726.48), dbSNP rs768713355, ClinGen allele CA1745059.

ClinVar aggregate classification (germline): Uncertain significance. Review status: criteria provided, multiple submitters, no conflicts (2 of 4 stars). 2 submissions from 2 submitters: Uncertain significance (2). Last evaluated 2022-06-22.

Conditions:
GM3 synthase deficiency (SPDRS). Also called: AMISH INFANTILE EPILEPSY SYNDROME; SALT AND PEPPER DEVELOPMENTAL REGRESSION SYNDROME; SALT AND PEPPER MENTAL RETARDATION SYNDROME. Identifiers: Orphanet 171714, Orphanet 370933, MedGen C1836824, MONDO:0018274, OMIM 609056.

Allele frequency attached by ClinVar (database versions not stated): gnomAD exomes below 0.00001; ExAC 0.00001.
gnomAD v4.1: 3 of 1,614,234 alleles (0.00019%); highest among the groups gnomAD compares: Non-Finnish European, 0.00025%; no homozygotes.

Submissions (2):

Labcorp Genetics (formerly Invitae), Labcorp
Classification: Uncertain significance for GM3 synthase deficiency. Last evaluated: 2022-06-22. Review status: criteria provided, single submitter. Criteria: Invitae Variant Classification Sherloc (09022015). Collection method: clinical testing. Allele origin: germline.
Comment: This sequence change replaces valine, which is neutral and non-polar, with isoleucine, which is neutral and non-polar, at codon 115 of the ST3GAL5 protein (p.Val115Ile). This variant is present in population databases (rs768713355, gnomAD 0.0009%). This variant has not been reported in the literature in individuals affected with ST3GAL5-related conditions. ClinVar contains an entry for this variant (Variation ID: 374726). Algorithms developed to predict the effect of missense changes on protein structure and function output the following: SIFT: "Deleterious"; PolyPhen-2: "Benign"; Align-GVGD: "Class C25". The isoleucine amino acid residue is found in multiple mammalian species, which suggests that this missense change does not adversely affect protein function. In summary, the available evidence is currently insufficient to determine the role of this variant in disease. Therefore, it has been classified as a Variant of Uncertain Significance.

CeGaT Center for Human Genetics Tuebingen
Classification: Uncertain significance. Last evaluated: 2016-07-01. Review status: criteria provided, single submitter. Criteria: CeGaT Center For Human Genetics Tuebingen Variant Classification Criteria Version 2. Collection method: clinical testing. Allele origin: germline. Affected: yes. Observed: 1 variant allele.